The following is an entry in ClinVar:

NM_014363.6(SACS):c.13064del (p.Leu4355fs)

Gene: SACS (sacsin molecular chaperone; minus strand). Cytogenetic location: 13q12.12.
Variant type: Deletion.
Coding change: c.13064del on transcript NM_014363.6 (MANE Select); coding-DNA position 13064, one base deleted (T; older notation c.13064delT).
Protein change: p.Leu4355fs; shifts the reading frame from leucine 4355.
Molecular consequence: frameshift variant.
Genome position (GRCh38, 1-based): chr13:23,330,812, A deleted on the plus strand (T on the coding strand, the reverse complement: SACS is on the minus strand); the first of 3 consecutive A bases (chr13:23,330,812-23,330,814); deleting any one gives the same sequence. VCF-style (leftmost placement, unchanged base first): chr13-23330811-CA-C. GRCh37 (hg19) VCF-style: chr13-23904950-CA-C.
Other names: c.12623del, p.Leu4208fs (NM_001278055.2); short protein forms L4208fs, L4355fs.
Identifiers: ClinVar variation 1073580 (VCV001073580.10), dbSNP rs2137552117, ClinGen allele CA2499221965.

ClinVar aggregate classification (germline): Pathogenic. Review status: criteria provided, multiple submitters, no conflicts (2 of 4 stars). 2 submissions from 2 submitters: Pathogenic (2). Last evaluated 2026-01-14.

Conditions:
Spastic paraplegia. Identifiers: MedGen C0037772, HP:0001258.
Charlevoix-Saguenay spastic ataxia (SACS). Also called: Spastic ataxia of Charlevoix-Saguenay; SPASTIC ATAXIA 6, AUTOSOMAL RECESSIVE; AUTOSOMAL RECESSIVE SPASTIC ATAXIA OF CHARLEVOIX-SAGUENAY. Identifiers: Orphanet 98, MedGen C1849140, MONDO:0010041, OMIM 270550.

Submissions (2):

Myriad Genetics, Inc.
Classification: Pathogenic for Charlevoix-Saguenay spastic ataxia. Last evaluated: 2026-01-14. Review status: criteria provided, single submitter. Criteria: Myriad Autosomal Dominant, Autosomal Recessive and X-Linked Classification Criteria (2023). Collection method: clinical testing. Allele origin: unknown.
Comment: NM_014363.4(SACS):c.13064delT(L4355Cfs*8) is a frameshift variant classified as pathogenic in the context of autosomal recessive spastic ataxia of Charlevoix-Saguenay. L4355Cfs*8 has not been observed in cases with relevant disease. Relevant functional assessments of this variant are not available in the literature. L4355Cfs*8 has not been observed in referenced population frequency databases. In summary, NM_014363.4(SACS):c.13064delT(L4355Cfs*8) is a frameshift variant in a gene where loss of function is a known mechanism of disease and is predicted to disrupt protein function. Please note: this variant was assessed in the context of healthy population screening.

Labcorp Genetics (formerly Invitae), Labcorp
Classification: Pathogenic for Spastic paraplegia. Last evaluated: 2022-03-22. Review status: criteria provided, single submitter. Criteria: Invitae Variant Classification Sherloc (09022015). Collection method: clinical testing. Allele origin: germline.
Comment: For these reasons, this variant has been classified as Pathogenic. This variant disrupts a region of the SACS protein in which other variant(s) (p.Tyr4538*) have been determined to be pathogenic (Invitae). This suggests that this is a clinically significant region of the protein, and that variants that disrupt it are likely to be disease-causing. ClinVar contains an entry for this variant (Variation ID: 1073580). This variant has not been reported in the literature in individuals affected with SACS-related conditions. This variant is not present in population databases (gnomAD no frequency). This sequence change creates a premature translational stop signal (p.Leu4355Cysfs*8) in the SACS gene. While this is not anticipated to result in nonsense mediated decay, it is expected to disrupt the last 225 amino acid(s) of the SACS protein.